The following is an entry in ClinVar:

NM_025114.4(CEP290):c.4577A>T (p.Glu1526Val)

Gene: CEP290 (centrosomal protein 290; minus strand). Cytogenetic location: 12q21.32.
Variant type: single nucleotide variant.
Coding change: c.4577A>T on transcript NM_025114.4 (MANE Select); coding-DNA position 4577, A replaced by T.
Protein change: p.Glu1526Val; replaces glutamic acid 1526 with valine.
Molecular consequence: missense variant.
Genome position (GRCh38, 1-based): chr12:88,084,713, T>A on the plus strand (A>T on the coding strand, the complement: CEP290 is on the minus strand). VCF-style: chr12-88084713-T-A. GRCh37 (hg19) VCF-style: chr12-88478490-T-A.
Other names: short protein forms E1526V.
Identifiers: ClinVar variation 937396 (VCV000937396.7), dbSNP rs760625332, ClinGen allele CA6711911.

ClinVar aggregate classification (germline): Uncertain significance. Review status: criteria provided, multiple submitters, no conflicts (2 of 4 stars). 4 submissions from 4 submitters: Uncertain significance (3). 1 of the submissions does not count toward it. Last evaluated 2024-01-11.

Conditions:
Leber congenital amaurosis (LCA). Also called: Leber's amaurosis. Identifiers: Orphanet 65, MedGen C0339527, MeSH D057130, MONDO:0018998.
Joubert syndrome. Also called: JOUBERT-BOLTSHAUSER SYNDROME; Familial aplasia of the vermis. Identifiers: Orphanet 475, MedGen C5979921, MONDO:0018772.
Meckel-Gruber syndrome. Also called: DYSENCEPHALIA SPLANCHNOCYSTICA; GRUBER SYNDROME; Dysencephalia splachnocystica. Identifiers: Orphanet 564, MedGen C0265215, MONDO:0018921.
Nephronophthisis. Also called: Juvenile Nephronophthisis. Identifiers: Orphanet 655, MedGen C0687120, MONDO:0019005, HP:0000090.
Bardet-Biedl syndrome 14 (BBS14). Identifiers: Orphanet 110, MedGen C2673874, MONDO:0014442, OMIM 615991.
Leber congenital amaurosis 10 (LCA10). Identifiers: Orphanet 65, MedGen C1857821, MONDO:0012723, OMIM 611755.
Joubert syndrome 5 (JBTS5). Identifiers: Orphanet 2318, MedGen C1857780, MONDO:0012432, OMIM 610188.
Meckel syndrome, type 4 (MKS4). Also called: MECKEL-GRUBER SYNDROME, TYPE 4. Identifiers: Orphanet 564, MedGen C1970161, MONDO:0012626, OMIM 611134.
Senior-Loken syndrome 6 (SLSN6). Identifiers: Orphanet 3156, MedGen C1857779, MONDO:0012433, OMIM 610189.

Allele frequency attached by ClinVar (database versions not stated): ExAC 0.00001; gnomAD exomes 0.00002 and 0.00006; TOPMed 0.00002; gnomAD 0.00008 and 0.00009.
gnomAD v4.1: 101 of 1,613,688 alleles (0.0063%); highest among the groups gnomAD compares: Non-Finnish European, 0.0062%; no homozygotes.

Submissions (4):

Fulgent Genetics
Classification: Uncertain significance for Joubert syndrome 5; Senior-Loken syndrome 6; Meckel syndrome, type 4; Leber congenital amaurosis 10; Bardet-Biedl syndrome 14. Last evaluated: 2024-01-11. Review status: criteria provided, single submitter. Criteria: ACMG Guidelines, 2015. Collection method: clinical testing. Allele origin: germline.

Labcorp Genetics (formerly Invitae), Labcorp
Classification: Uncertain significance for Joubert syndrome; Meckel-Gruber syndrome; Nephronophthisis. Last evaluated: 2022-03-27. Review status: criteria provided, single submitter. Criteria: Invitae Variant Classification Sherloc (09022015). Collection method: clinical testing. Allele origin: germline.
Comment: This sequence change replaces glutamic acid, which is acidic and polar, with valine, which is neutral and non-polar, at codon 1526 of the CEP290 protein (p.Glu1526Val). This variant is present in population databases (rs760625332, gnomAD 0.02%). This variant has not been reported in the literature in individuals affected with CEP290-related conditions. ClinVar contains an entry for this variant (Variation ID: 937396). Algorithms developed to predict the effect of missense changes on protein structure and function are either unavailable or do not agree on the potential impact of this missense change (SIFT: "Deleterious"; PolyPhen-2: "Possibly Damaging"; Align-GVGD: "Class C0"). In summary, the available evidence is currently insufficient to determine the role of this variant in disease. Therefore, it has been classified as a Variant of Uncertain Significance.

Blueprint Genetics
Classification: Uncertain significance. Last evaluated: 2021-10-04. Review status: criteria provided, single submitter. Criteria: ACMG Guidelines, 2015. Collection method: clinical testing. Allele origin: germline.

Natera, Inc.
Classification: Uncertain significance for Leber congenital amaurosis. Last evaluated: 2020-02-26. Review status: no assertion criteria provided. Collection method: clinical testing. Allele origin: germline. Not counted in ClinVar's aggregate classification.